The following is an entry in ClinVar:

ClinVar aggregate classification (germline): Uncertain significance (1 of 4 stars; one submission).

Submission:

Labcorp Genetics (formerly Invitae), Labcorp
Classification: Uncertain significance. Last evaluated: 2022-03-12. Review status: criteria provided, single submitter. Criteria: Invitae Variant Classification Sherloc (09022015). Collection method: clinical testing. Allele origin: germline.
Comment: This variant, c.1630_1632del, results in the deletion of 1 amino acid(s) of the GPR179 protein (p.Tyr544del), but otherwise preserves the integrity of the reading frame. This variant is present in population databases (rs757407463, gnomAD 0.005%). This variant has not been reported in the literature in individuals affected with GPR179-related conditions. Experimental studies and prediction algorithms are not available or were not evaluated, and the functional significance of this variant is currently unknown. In summary, the available evidence is currently insufficient to determine the role of this variant in disease. Therefore, it has been classified as a Variant of Uncertain Significance.

NM_001004334.4(GPR179):c.1630_1632del (p.Tyr544del)

Gene: GPR179 (G protein-coupled receptor 179; minus strand). Cytogenetic location: 17q12.
Variant type: Deletion.
Coding change: c.1630_1632del on transcript NM_001004334.4 (MANE Select); coding-DNA positions 1630 to 1632, 3 bases deleted (TAC; older notation c.1630_1632delTAC).
Protein change: p.Tyr544del; deletes tyrosine 544.
Molecular consequence: inframe deletion.
Genome position (GRCh38, 1-based): chr17:38,335,046-38,335,048, GTA deleted on the plus strand (TAC on the coding strand, the reverse complement: GPR179 is on the minus strand); deleting any 3 consecutive bases within chr17:38,335,046-38,335,050 gives the same sequence; the c. name uses the placement nearest the transcript's 3' end. VCF-style (leftmost placement, unchanged base first): chr17-38335045-TGTA-T. GRCh37 (hg19) VCF-style: chr17-36490928-TGTA-T.
Other names: short protein forms Y544del.
Identifiers: ClinVar variation 1953022 (VCV001953022.2), dbSNP rs757407463, ClinGen allele CA290108608.
Genomic context (GRCh38, chr17:38,335,045, plus strand): 5'-ACAGAGGCAGGGACCAGCGTAAGGCTGGGCTCAGCAGAAGCAGCTCACCCACAACCATGA[TGTA>T]GTCCCAGCGGTCGTGGTGACAGAGGTAGAAATGGCGGCCACTGGGAGTGTGGCCTCGGAT-3'